The following is an entry in ClinVar:

ClinVar aggregate classification (germline): Pathogenic (1 of 4 stars; one submission).

Submission:

Labcorp Genetics (formerly Invitae), Labcorp
Classification: Pathogenic. Last evaluated: 2024-01-17. Review status: criteria provided, single submitter. Criteria: Invitae Variant Classification Sherloc (09022015). Collection method: clinical testing. Allele origin: germline.
Comment: This sequence change creates a premature translational stop signal (p.Ser153Valfs*38) in the ADGRG1 gene. It is expected to result in an absent or disrupted protein product. Loss-of-function variants in ADGRG1 are known to be pathogenic (PMID: 15044805, 20929962). This variant is present in population databases (no rsID available, gnomAD 0.01%). This variant has not been reported in the literature in individuals affected with ADGRG1-related conditions. For these reasons, this variant has been classified as Pathogenic.

Literature cited by the submitters: PubMed 15044805; PubMed 20929962.

NM_201525.4(ADGRG1):c.456del (p.Ser153fs)

Gene: ADGRG1 (adhesion G protein-coupled receptor G1; plus strand). Cytogenetic location: 16q21.
Variant type: Deletion.
Coding change: c.456del on transcript NM_201525.4 (MANE Select); coding-DNA position 456, one base deleted (C; older notation c.456delC).
Protein change: p.Ser153fs; shifts the reading frame from serine 153.
Molecular consequence: frameshift variant. On other transcripts: 5 prime UTR variant (5), intron variant (1).
Genome position (GRCh38, 1-based): chr16:57,651,591, C deleted; the last of 3 consecutive C bases (chr16:57,651,589-57,651,591); deleting any one gives the same sequence. VCF-style (leftmost placement, unchanged base first): chr16-57651588-GC-G. GRCh37 (hg19) VCF-style: chr16-57685500-GC-G.
Other names: c.456del, p.Ser153fs (NM_001145770.3, NM_001145771.3, NM_001145772.3 and 16 more transcripts); c.471del, p.Ser158fs (NM_001145773.3, NM_001370433.1); c.-70del (NM_001290143.2, NM_001290144.2, NM_001370451.1 and 2 more transcripts); c.300del, p.Ser101fs (NM_001370442.1); c.110+346del (NM_001290142.2); short protein forms S101fs, S153fs, S158fs.
Identifiers: ClinVar variation 2972051 (VCV002972051.3), dbSNP rs1407233374, ClinGen allele CA623113301.